The following is an entry in ClinVar:

ClinVar aggregate classification (germline): Conflicting classifications of pathogenicity. Review status: criteria provided, conflicting classifications (1 of 4 stars). 2 submissions from 2 submitters: Pathogenic (1); Uncertain significance (1). Last evaluated 2023-11-21.

Conditions:
Catecholaminergic polymorphic ventricular tachycardia 1. Also called: VENTRICULAR TACHYCARDIA, CATECHOLAMINERGIC POLYMORPHIC, 1, WITH OR WITHOUT ATRIAL DYSFUNCTION AND/OR DILATED CARDIOMYOPATHY; RYR2-Related Catecholaminergic Polymorphic Ventricular Tachycardia; VENTRICULAR TACHYCARDIA, STRESS-INDUCED POLYMORPHIC 1. Identifiers: Orphanet 3286, MedGen C1631597, MONDO:0011484, OMIM 604772.
Cardiovascular phenotype. Identifiers: MedGen CN230736.

Allele frequency attached by ClinVar (database versions not stated): gnomAD exomes below 0.00001.
gnomAD v4.1: 3 of 1,613,026 alleles (0.00019%); highest among the groups gnomAD compares: Non-Finnish European, 0.00017%; no homozygotes.

Submissions (2):

Ambry Genetics
Classification: Uncertain significance for Cardiovascular phenotype. Last evaluated: 2023-11-21. Review status: criteria provided, single submitter. Criteria: Ambry Variant Classification Scheme 2023. Collection method: clinical testing. Allele origin: germline.
Comment: The c.232+2T>C intronic variant results from a T to C substitution two nucleotides after coding exon 2 in the TRDN gene. This nucleotide position is highly conserved in available vertebrate species. In silico splice site analysis predicts that this alteration may weaken the native splice donor site. Alterations that disrupt the canonical splice site are expected to cause aberrant splicing, resulting in an abnormal protein or a transcript that is subject to nonsense-mediated mRNA decay; however, +2T>C alterations are capable of generating wild-type transcripts in some genomic contexts and should be interpreted with caution (Lin JH et al. Hum Mutat. 2019 10;40:1856-1873). Since supporting evidence is limited at this time, the clinical significance of this alteration remains unclear.

Labcorp Genetics (formerly Invitae), Labcorp
Classification: Pathogenic for Catecholaminergic polymorphic ventricular tachycardia 1. Last evaluated: 2023-01-29. Review status: criteria provided, single submitter. Criteria: Invitae Variant Classification Sherloc (09022015). Collection method: clinical testing. Allele origin: germline.
Comment: This sequence change affects a donor splice site in intron 2 of the TRDN gene. It is expected to disrupt RNA splicing. Variants that disrupt the donor or acceptor splice site typically lead to a loss of protein function (PMID: 16199547), and loss-of-function variants in TRDN are known to be pathogenic (PMID: 22422768, 25922419, 26200674, 30649896). This variant is not present in population databases (gnomAD no frequency). Disruption of this splice site has been observed in individual(s) with triadin knockout syndrome (PMID: 30649896). In at least one individual the data is consistent with being in trans (on the opposite chromosome) from a pathogenic variant. Algorithms developed to predict the effect of sequence changes on RNA splicing suggest that this variant may disrupt the consensus splice site. For these reasons, this variant has been classified as Pathogenic.

Literature cited by the submitters: PubMed 16199547 (cited by Labcorp Genetics (formerly Invitae), Labcorp); PubMed 22422768 (cited by Labcorp Genetics (formerly Invitae), Labcorp); PubMed 25922419 (cited by Labcorp Genetics (formerly Invitae), Labcorp); PubMed 26200674 (cited by Labcorp Genetics (formerly Invitae), Labcorp); PubMed 30649896 (cited by Labcorp Genetics (formerly Invitae), Labcorp).

NM_006073.4(TRDN):c.232+2T>C

Gene: TRDN (triadin; minus strand). Cytogenetic location: 6q22.31.
Variant type: single nucleotide variant.
Coding change: c.232+2T>C on transcript NM_006073.4 (MANE Select); the canonical splice donor site of the intron after coding-DNA position 232, T replaced by C.
Molecular consequence: splice donor variant.
Genome position (GRCh38, 1-based): chr6:123,570,921, A>G on the plus strand (T>C on the coding strand, the complement: TRDN is on the minus strand). VCF-style: chr6-123570921-A-G. GRCh37 (hg19) VCF-style: chr6-123892066-A-G.
Other names: c.232+2T>C (NM_001407315.1, NM_001251987.2, NM_001256022.2 and 3 more transcripts).
Identifiers: ClinVar variation 2741507 (VCV002741507.4), dbSNP rs1554258777, ClinGen allele CA365569007.
Genomic context (GRCh38, chr6:123,570,921, plus strand): 5'-GGACACTGTTTCTTTCCATTTGAATTAATTTTAATTTTAAAGCCAAATTTTATGGAACTT[A>G]CCTGAAAAGTTTTTGTAATCCACTAAATCAAACATAACGATGGCAACAGCTGACCACGTG-3'